The following is an entry in ClinVar:

ClinVar aggregate classification (germline): Conflicting classifications of pathogenicity. Review status: criteria provided, conflicting classifications (1 of 4 stars). 12 submissions from 10 submitters: Uncertain significance (10); Likely benign (1). 1 of the submissions does not count toward it. Last evaluated 2026-04-05.

Conditions:
NPHP3-related disorder. Also called: NPHP3-related disorders; NPHP3-related condition. Identifiers: MedGen CN379163.
Nephronophthisis. Also called: Juvenile Nephronophthisis. Identifiers: Orphanet 655, MedGen C0687120, MONDO:0019005, HP:0000090.
NPHP3-related Meckel-like syndrome. Also called: Meckel syndrome type 7; GOLDSTON SYNDROME. Identifiers: Orphanet 3032, MedGen C2673885, MONDO:0009966, OMIM 267010.
Renal-hepatic-pancreatic dysplasia 1 (RHPD1). Identifiers: MedGen C3715199, MONDO:0008833, OMIM 208540.
Nephronophthisis 3 (NPHP3). Also called: Adolescent nephronophthisis. Identifiers: Orphanet 655, MedGen C1858392, MONDO:0011456, OMIM 604387.

Allele frequency attached by ClinVar (database versions not stated): ExAC 0.00043; gnomAD exomes 0.00049 and 0.00098; gnomAD 0.00054 and 0.00055; TOPMed 0.00060; ESP Exome Variant Server 0.00085.
gnomAD v4.1: 1,487 of 1,613,696 alleles (0.092%); highest among the groups gnomAD compares: Non-Finnish European, 0.12%; no homozygotes.

Submissions (12):

PreventionGenetics, part of Exact Sciences
Classification: Uncertain significance for NPHP3-related condition. Last evaluated: 2026-04-05. Review status: criteria provided, single submitter. Criteria: ACMG Guidelines, 2015. Collection method: clinical testing. Allele origin: germline.
Comment: The NPHP3 c.3281G>A variant is predicted to result in the amino acid substitution p.Arg1094Gln. To our knowledge, this variant has not been reported in the literature. This variant is reported in 0.097% of alleles in individuals of European (Non-Finnish) descent in gnomAD. At this time, the clinical significance of this variant is uncertain due to the absence of conclusive functional and genetic evidence.

GeneDx
Classification: Uncertain significance. Last evaluated: 2025-09-09. Review status: criteria provided, single submitter. Criteria: GeneDx Variant Classification Process June 2021. Collection method: clinical testing. Allele origin: germline.
Comment: Has not been previously published as pathogenic or benign to our knowledge; In silico analysis suggests that this missense variant does not alter protein structure/function; In silico analysis is inconclusive as to whether the variant alters gene splicing. In the absence of RNA/functional studies, the actual effect of this sequence change is unknown.

Blueprint Genetics
Classification: Likely benign. Last evaluated: 2024-11-23. Review status: criteria provided, single submitter. Criteria: ACMG Guidelines, 2015. Collection method: clinical testing. Allele origin: germline.

Labcorp Genetics (formerly Invitae), Labcorp
Classification: Uncertain significance for Nephronophthisis. Last evaluated: 2024-11-05. Review status: criteria provided, single submitter. Criteria: Invitae Variant Classification Sherloc (09022015). Collection method: clinical testing. Allele origin: germline.
Comment: This sequence change replaces arginine, which is basic and polar, with glutamine, which is neutral and polar, at codon 1094 of the NPHP3 protein (p.Arg1094Gln). This variant is present in population databases (rs146890274, gnomAD 0.1%), and has an allele count higher than expected for a pathogenic variant. This variant has not been reported in the literature in individuals affected with NPHP3-related conditions. ClinVar contains an entry for this variant (Variation ID: 195784). Invitae Evidence Modeling of protein sequence and biophysical properties (such as structural, functional, and spatial information, amino acid conservation, physicochemical variation, residue mobility, and thermodynamic stability) has been performed for this missense variant. However, the output from this modeling did not meet the statistical confidence thresholds required to predict the impact of this variant on NPHP3 protein function. Algorithms developed to predict the effect of sequence changes on RNA splicing suggest that this variant may disrupt the consensus splice site. In summary, the available evidence is currently insufficient to determine the role of this variant in disease. Therefore, it has been classified as a Variant of Uncertain Significance.

Mayo Clinic Laboratories, Mayo Clinic
Classification: Uncertain significance. Last evaluated: 2023-07-21. Review status: criteria provided, single submitter. Criteria: ACMG Guidelines, 2015. Collection method: clinical testing. Allele origin: germline. Observed: 2 variant alleles.

CeGaT Center for Human Genetics Tuebingen
Classification: Uncertain significance. Last evaluated: 2020-12-01. Review status: criteria provided, single submitter. Criteria: CeGaT Center For Human Genetics Tuebingen Variant Classification Criteria Version 2. Collection method: clinical testing. Allele origin: germline. Affected: yes. Observed: 1 variant allele.

Eurofins Ntd Llc (ga)
Classification: Uncertain significance. Last evaluated: 2017-10-05. Review status: criteria provided, single submitter. Criteria: EGL Classification Definitions 2015. Collection method: clinical testing. Allele origin: germline. Observed: 4 variant alleles, 4 heterozygotes.

Illumina Laboratory Services, Illumina
Classification: Uncertain significance for Nephronophthisis 3. Last evaluated: 2017-04-27. Review status: criteria provided, single submitter. Criteria: ICSL Variant Classification Criteria 13 December 2019. Collection method: clinical testing. Allele origin: germline.

Illumina Laboratory Services, Illumina
Classification: Uncertain significance for Renal-hepatic-pancreatic dysplasia 1. Last evaluated: 2017-04-27. Review status: criteria provided, single submitter. Criteria: ICSL Variant Classification Criteria 13 December 2019. Collection method: clinical testing. Allele origin: germline.

Illumina Laboratory Services, Illumina
Classification: Uncertain significance for NPHP3-related Meckel-like syndrome. Last evaluated: 2017-04-27. Review status: criteria provided, single submitter. Criteria: ICSL Variant Classification Criteria 13 December 2019. Collection method: clinical testing. Allele origin: germline.

Genetic Services Laboratory, University of Chicago
Classification: Uncertain significance. Last evaluated: 2015-03-11. Review status: criteria provided, single submitter. Criteria: ACMG Guidelines, 2015. Collection method: clinical testing. Allele origin: germline.

Department of Pathology and Laboratory Medicine, Sinai Health System
Classification: Uncertain significance. Review status: no assertion criteria provided. Collection method: clinical testing. Allele origin: unknown. Affected: yes. Study: The Canadian Open Genetics Repository (COGR). Not counted in ClinVar's aggregate classification.
Comment: The NPHP3 p.Arg1094Gln variant was not identified in the literature but was identified in dbSNP (ID: rs146890274) and ClinVar (classified as uncertain significance by Genetic Services Laboratory, University of Chicago and EGL Genetics). The variant was identified in control databases in 143 of 282850 chromosomes at a frequency of 0.0005056 increasing the likelihood this could be a low frequency benign variant (Genome Aggregation Database March 6, 2019, v2.1.1). The variant was observed in the following populations: European (non-Finnish) in 125 of 129172 chromosomes (freq: 0.000968), Other in 3 of 7226 chromosomes (freq: 0.000415), Latino in 6 of 35436 chromosomes (freq: 0.000169), African in 4 of 24962 chromosomes (freq: 0.00016), European (Finnish) in 4 of 25114 chromosomes (freq: 0.000159) and South Asian in 1 of 30616 chromosomes (freq: 0.000033), but was not observed in the Ashkenazi Jewish or East Asian populations. The p.Arg1094 residue is conserved in mammals but not in more distantly related organisms however four out of five computational analyses (PolyPhen-2, SIFT, AlignGVGD, BLOSUM, MutationTaster) do not suggest a high likelihood of impact to the protein; this information is not predictive enough to rule out pathogenicity. The variant occurs outside of the splicing consensus sequence and two of four in silico or computational prediction software programs (SpliceSiteFinder, MaxEntScan, NNSPLICE, GeneSplicer) predict a greater than 10% difference in splicing; this is not very predictive of pathogenicity. In summary, based on the above information the clinical significance of this variant cannot be determined with certainty at this time. This variant is classified as a variant of uncertain significance.

NM_153240.5(NPHP3):c.3281G>A (p.Arg1094Gln)

Genes: NPHP3 (nephrocystin 3; minus strand), NPHP3-ACAD11 (NPHP3-ACAD11 readthrough (NMD candidate); minus strand). Cytogenetic location: 3q22.1.
Variant type: single nucleotide variant.
Coding change: c.3281G>A on transcript NM_153240.5 (MANE Select); coding-DNA position 3281, G replaced by A.
Protein change: p.Arg1094Gln; replaces arginine 1094 with glutamine.
Molecular consequence: missense variant. On other transcripts: non-coding transcript variant (1).
Genome position (GRCh38, 1-based): chr3:132,686,308, C>T on the plus strand (G>A on the coding strand, the complement: NPHP3 is on the minus strand). VCF-style: chr3-132686308-C-T. GRCh37 (hg19) VCF-style: chr3-132405152-C-T.
Other names: p.Arg1094Gln; short protein forms R1094Q.
Identifiers: ClinVar variation 195784 (VCV000195784.61), dbSNP rs146890274, ClinGen allele CA208787.
Genomic context (GRCh38, chr3:132,686,308, plus strand): 5'-CATGGTACTCACTCCAGGTTATTTTGAAGATAGTAGAGAACACCCAGTTCATTGAGGGTC[C>T]GAGCATTATCAGGTGTGTCCTTACCTAATGTAAGCTCTTCTAACTGTAAAGCCCGTCTAC-3'
Protein context (NP_694972.3, residues 1084-1104): TLGKDTPDNA[Arg1094Gln]TLNELGVLYY